The following is an entry in ClinVar:

ClinVar aggregate classification (germline): Pathogenic. Review status: criteria provided, multiple submitters, no conflicts (2 of 4 stars). 2 submissions from 2 submitters: Pathogenic (2). Last evaluated 2025-02-27.

Conditions:
Hereditary leiomyomatosis and renal cell cancer. Also called: FH tumor predisposition syndrome; Multiple cutaneous leiomyomas; MULTIPLE CUTANEOUS AND UTERINE LEIOMYOMATA 1, WITH OR WITHOUT RENAL CELL CARCINOMA; Reed syndrome; Multiple cutaneous and uterine leiomyomatosis; Cutaneous leiomyomata with uterine leiomyomata. Identifiers: Orphanet 523, MedGen C1708350, MONDO:0007888, OMIM 150800, HP:0007437. Disease mechanism: loss of function.

Submissions (2):

Myriad Genetics, Inc.
Classification: Pathogenic for Hereditary leiomyomatosis and renal cell cancer. Last evaluated: 2025-02-27. Review status: criteria provided, single submitter. Criteria: Myriad Autosomal Dominant, Autosomal Recessive and X-Linked Classification Criteria (2023). Collection method: clinical testing. Allele origin: unknown.
Comment: This variant is considered pathogenic. This variant creates a frameshift predicted to result in premature protein truncation.

GeneDx
Classification: Pathogenic. Last evaluated: 2017-12-14. Review status: criteria provided, single submitter. Criteria: GeneDx Variant Classification (06012015). Collection method: clinical testing. Allele origin: germline. Affected: yes.
Comment: The c.675delT variant in the FH gene has not been published as a pathogenic variant, nor has it been reported as a benign variant to our knowledge. This deletion causes a frameshift starting with codon Phenylalanine 225, changes this amino acid to a Leucine residue and creates a premature Stop codon at position 31 of the new reading frame, denoted p.Phe225LeufsX31. This variant is predicted to cause loss of normal protein function either through protein truncation or nonsense-mediated mRNA decay. Based on currently available evidence, we consider c.675delT to be pathogenic.

NM_000143.4(FH):c.675del (p.Phe225fs)

Gene: FH (fumarate hydratase; minus strand). Cytogenetic location: 1q43.
Variant type: Deletion.
Coding change: c.675del on transcript NM_000143.4 (MANE Select); coding-DNA position 675, one base deleted (T; older notation c.675delT).
Protein change: p.Phe225fs; shifts the reading frame from phenylalanine 225.
Molecular consequence: frameshift variant.
Genome position (GRCh38, 1-based): chr1:241,508,666, A deleted on the plus strand (T on the coding strand, the reverse complement: FH is on the minus strand); the first of 3 consecutive A bases (chr1:241,508,666-241,508,668); deleting any one gives the same sequence. VCF-style (leftmost placement, unchanged base first): chr1-241508665-CA-C. GRCh37 (hg19) VCF-style: chr1-241671965-CA-C.
Other names: c.675delT (NM_000143.3); short protein forms F225fs.
Identifiers: ClinVar variation 503955 (VCV000503955.3), dbSNP rs1553341337, ClinGen allele CA658795656.
Genomic context (GRCh38, chr1:241,508,665, plus strand): 5'-GCCCAAGAGTAAGTGGAACAGCATCCTGAGTATGAGTACGTCCAATCTTGATGATCTGTG[CA>C]AACTCTTTGGATTTTGCATCAAGAGCATCATGTAACTTCTGTAGTCCTGGTAACAGTACT-3'